The following is an entry in ClinVar:

NM_001162501.2(TNRC6B):c.1309G>A (p.Val437Ile)

Gene: TNRC6B (trinucleotide repeat containing adaptor 6B; plus strand). Cytogenetic location: 22q13.1.
Variant type: single nucleotide variant.
Coding change: c.1309G>A on transcript NM_001162501.2 (MANE Select); coding-DNA position 1309, G replaced by A.
Protein change: p.Val437Ile; replaces valine 437 with isoleucine.
Molecular consequence: missense variant. On other transcripts: intron variant (1).
Genome position (GRCh38, 1-based): chr22:40,265,539, G>A. VCF-style: chr22-40265539-G-A. GRCh37 (hg19) VCF-style: chr22-40661543-G-A.
Other names: c.1309G>A, p.Val437Ile (NM_015088.3); c.565+3366G>A (NM_001024843.2); short protein forms V437I.
Identifiers: ClinVar variation 1316394 (VCV001316394.3), dbSNP rs2146499470, ClinGen allele CA411629148.

ClinVar aggregate classification (germline): Uncertain significance (1 of 4 stars; one submission).

Submission:

GeneDx
Classification: Uncertain significance. Last evaluated: 2023-06-26. Review status: criteria provided, single submitter. Criteria: GeneDx Variant Classification Process June 2021. Collection method: clinical testing. Allele origin: germline. Affected: yes.
Comment: Not observed at significant frequency in large population cohorts (gnomAD); In silico analysis supports that this missense variant does not alter protein structure/function; Has not been previously published as pathogenic or benign to our knowledge